The following is an entry in ClinVar:

ClinVar aggregate classification (germline): Uncertain significance (1 of 4 stars; one submission).

gnomAD v4.1: 1 of 1,614,174 alleles (0.000062%); highest among the groups gnomAD compares: Non-Finnish European, 0.000085%; no homozygotes.

Submission:

Labcorp Genetics (formerly Invitae), Labcorp
Classification: Uncertain significance. Last evaluated: 2024-11-19. Review status: criteria provided, single submitter. Criteria: Invitae Variant Classification Sherloc (09022015). Collection method: clinical testing. Allele origin: germline.
Comment: This sequence change replaces cysteine, which is neutral and slightly polar, with serine, which is neutral and polar, at codon 401 of the MYH3 protein (p.Cys401Ser). This variant is not present in population databases (gnomAD no frequency). This variant has not been reported in the literature in individuals affected with MYH3-related conditions. Invitae Evidence Modeling of protein sequence and biophysical properties (such as structural, functional, and spatial information, amino acid conservation, physicochemical variation, residue mobility, and thermodynamic stability) has been performed for this missense variant. However, the output from this modeling did not meet the statistical confidence thresholds required to predict the impact of this variant on MYH3 protein function. In summary, the available evidence is currently insufficient to determine the role of this variant in disease. Therefore, it has been classified as a Variant of Uncertain Significance.

NM_002470.4(MYH3):c.1201T>A (p.Cys401Ser)

Gene: MYH3 (myosin heavy chain 3; minus strand). Cytogenetic location: 17p13.1.
Variant type: single nucleotide variant.
Coding change: c.1201T>A on transcript NM_002470.4 (MANE Select); coding-DNA position 1201, T replaced by A.
Protein change: p.Cys401Ser; replaces cysteine 401 with serine.
Molecular consequence: missense variant.
Genome position (GRCh38, 1-based): chr17:10,644,643, A>T on the plus strand (T>A on the coding strand, the complement: MYH3 is on the minus strand). VCF-style: chr17-10644643-A-T. GRCh37 (hg19) VCF-style: chr17-10547960-A-T.
Other names: short protein forms C401S.
Identifiers: ClinVar variation 3634458 (VCV003634458.2).